The following is an entry in ClinVar:

NM_003680.4(YARS1):c.694A>T (p.Ile232Phe)

Genes: YARS1 (tyrosyl-tRNA synthetase 1; minus strand), LOC126805688 (BRD4-independent group 4 enhancer GRCh37_chr1:33251929-33253128; plus strand). Cytogenetic location: 1p35.1.
Variant type: single nucleotide variant.
Coding change: c.694A>T on transcript NM_003680.4 (MANE Select); coding-DNA position 694, A replaced by T.
Protein change: p.Ile232Phe; replaces isoleucine 232 with phenylalanine.
Molecular consequence: missense variant.
Genome position (GRCh38, 1-based): chr1:32,787,066, T>A on the plus strand (A>T on the coding strand, the complement: YARS1 is on the minus strand). VCF-style: chr1-32787066-T-A. GRCh37 (hg19) VCF-style: chr1-33252667-T-A.
Other names: short protein forms I232F.
Identifiers: ClinVar variation 4725539 (VCV004725539.1).

ClinVar aggregate classification (germline): Uncertain significance (1 of 4 stars; one submission).

Conditions:
Charcot-Marie-Tooth disease dominant intermediate C (CMTDIC). Also called: CHARCOT-MARIE-TOOTH NEUROPATHY, DOMINANT INTERMEDIATE C. Identifiers: Orphanet 100045, MedGen C1842237, MONDO:0012012, OMIM 608323.

Submission:

Labcorp Genetics (formerly Invitae), Labcorp
Classification: Uncertain significance for Charcot-Marie-Tooth disease dominant intermediate C. Last evaluated: 2025-10-03. Review status: criteria provided, single submitter. Criteria: Invitae Variant Classification Sherloc (09022015). Collection method: clinical testing. Allele origin: germline.
Comment: This sequence change replaces isoleucine, which is neutral and non-polar, with phenylalanine, which is neutral and non-polar, at codon 232 of the YARS protein (p.Ile232Phe). This variant is not present in population databases (gnomAD no frequency). This variant has not been reported in the literature in individuals affected with YARS-related conditions. Invitae Evidence Modeling of protein sequence and biophysical properties (such as structural, functional, and spatial information, amino acid conservation, physicochemical variation, residue mobility, and thermodynamic stability) indicates that this missense variant is expected to disrupt YARS protein function with a positive predictive value of 80%. In summary, the available evidence is currently insufficient to determine the role of this variant in disease. Therefore, it has been classified as a Variant of Uncertain Significance.